The following is an entry in ClinVar:

NM_032790.4(ORAI1):c.505dup (p.His169fs)

Gene: ORAI1 (ORAI calcium release-activated calcium modulator 1; plus strand). Cytogenetic location: 12q24.31.
Variant type: Duplication.
Coding change: c.505dup on transcript NM_032790.4 (MANE Select); coding-DNA position 505, one base duplicated (C; older notation c.505dupC).
Protein change: p.His169fs; shifts the reading frame from histidine 169.
Molecular consequence: frameshift variant. On other transcripts: non-coding transcript variant (1).
Genome position (GRCh38, 1-based): chr12:121,641,242, C duplicated. VCF-style (leftmost placement, unchanged base first): chr12-121641241-G-GC. GRCh37 (hg19) VCF-style: chr12-122079147-G-GC.
Other names: short protein forms H169fs.
Identifiers: ClinVar variation 2944495 (VCV002944495.3), dbSNP rs2503543510, ClinGen allele CA2740097593.

ClinVar aggregate classification (germline): Likely pathogenic (1 of 4 stars; one submission).

Conditions:
Combined immunodeficiency due to ORAI1 deficiency. Also called: IMMUNODEFICIENCY 9. Identifiers: Orphanet 169090, Orphanet 317428, MedGen C2748568, MONDO:0013007, OMIM 612782.
Myopathy, tubular aggregate, 2 (TAM2). Identifiers: MedGen C4014557, MONDO:0014383, OMIM 615883.

Submission:

Labcorp Genetics (formerly Invitae), Labcorp
Classification: Likely pathogenic for Myopathy, tubular aggregate, 2; Combined immunodeficiency due to ORAI1 deficiency. Last evaluated: 2025-02-10. Review status: criteria provided, single submitter. Criteria: Invitae Variant Classification Sherloc (09022015). Collection method: clinical testing. Allele origin: germline.
Comment: This sequence change creates a premature translational stop signal (p.His169Profs*22) in the ORAI1 gene. While this is not anticipated to result in nonsense mediated decay, it is expected to disrupt the last 133 amino acid(s) of the ORAI1 protein. This variant is not present in population databases (gnomAD no frequency). This variant has not been reported in the literature in individuals affected with ORAI1-related conditions. ClinVar contains an entry for this variant (Variation ID: 2944495). This variant disrupts the STIM1 binding domain of the ORAI1 protein, which regulates calcium influx (PMID: 26138675, 23447534, 23613525). While functional studies have not been performed to directly test the effect of this variant on ORAI1 protein function, this suggests that disruption of this region of the protein is causative of disease. In summary, the currently available evidence indicates that the variant is pathogenic, but additional data are needed to prove that conclusively. Therefore, this variant has been classified as Likely Pathogenic.

Literature cited by the submitters: PubMed 26138675; PubMed 23447534; PubMed 23613525.